The following is an entry in ClinVar:

ClinVar aggregate classification (germline): Uncertain significance. Review status: criteria provided, multiple submitters, no conflicts (2 of 4 stars). 3 submissions from 3 submitters: Uncertain significance (2). 1 of the submissions does not count toward it. Last evaluated 2025-03-23.

Conditions:
Prostate cancer, hereditary, 1 (HPC1). Identifiers: Orphanet 1331, MedGen C4722327, MONDO:0011098, OMIM 601518.
Hereditary cancer-predisposing syndrome. Also called: Neoplastic Syndromes, Hereditary; Tumor predisposition; Hereditary neoplastic syndrome; Hereditary Cancer Syndrome. Identifiers: Orphanet 140162, MedGen C0027672, MeSH D009386, MONDO:0015356.

Submissions (3):

Ambry Genetics
Classification: Uncertain significance for Hereditary cancer-predisposing syndrome. Last evaluated: 2025-03-23. Review status: criteria provided, single submitter. Criteria: Ambry Variant Classification Scheme 2023. Collection method: clinical testing. Allele origin: germline.
Comment: The p.Q181L variant (also known as c.542A>T), located in coding exon 1 of the HOXB13 gene, results from an A to T substitution at nucleotide position 542. The glutamine at codon 181 is replaced by leucine, an amino acid with dissimilar properties. This amino acid position is highly conserved in available vertebrate species. In addition, the in silico prediction for this alteration is inconclusive. Based on the available evidence, the clinical significance of this variant remains unclear.

Labcorp Genetics (formerly Invitae), Labcorp
Classification: Uncertain significance. Last evaluated: 2022-07-01. Review status: criteria provided, single submitter. Criteria: Invitae Variant Classification Sherloc (09022015). Collection method: clinical testing. Allele origin: germline.
Comment: In summary, the available evidence is currently insufficient to determine the role of this variant in disease. Therefore, it has been classified as a Variant of Uncertain Significance. Algorithms developed to predict the effect of missense changes on protein structure and function are either unavailable or do not agree on the potential impact of this missense change (SIFT: "Deleterious"; PolyPhen-2: "Probably Damaging"; Align-GVGD: "Class C0"). ClinVar contains an entry for this variant (Variation ID: 690841). This variant has not been reported in the literature in individuals affected with HOXB13-related conditions. This variant is not present in population databases (gnomAD no frequency). This sequence change replaces glutamine, which is neutral and polar, with leucine, which is neutral and non-polar, at codon 181 of the HOXB13 protein (p.Gln181Leu).

Laboratory of Virology, Microbiology,  Quality and Medical Biotechnologies, Faculty of Sciences and Techniques - Mohammedia, Hassan II University of Casablanca
Classification: Uncertain significance for Prostate cancer, hereditary, 1. Review status: no assertion criteria provided. Collection method: clinical testing. Allele origin: somatic. Affected: yes. Not counted in ClinVar's aggregate classification.

NM_006361.6(HOXB13):c.542A>T (p.Gln181Leu)

Gene: HOXB13 (homeobox B13; minus strand). Cytogenetic location: 17q21.32.
Variant type: single nucleotide variant.
Coding change: c.542A>T on transcript NM_006361.6 (MANE Select); coding-DNA position 542, A replaced by T.
Protein change: p.Gln181Leu; replaces glutamine 181 with leucine.
Molecular consequence: missense variant.
Genome position (GRCh38, 1-based): chr17:48,728,052, T>A on the plus strand (A>T on the coding strand, the complement: HOXB13 is on the minus strand). VCF-style: chr17-48728052-T-A. GRCh37 (hg19) VCF-style: chr17-46805414-T-A.
Other names: short protein forms Q181L.
Identifiers: ClinVar variation 690841 (VCV000690841.7), dbSNP rs570681642, ClinGen allele CA400107228.